The following is an entry in ClinVar:

NM_001042681.2(RERE):c.1792C>T (p.Arg598Cys)

Gene: RERE (arginine-glutamic acid dipeptide repeats; minus strand). Cytogenetic location: 1p36.23.
Variant type: single nucleotide variant.
Coding change: c.1792C>T on transcript NM_001042681.2 (MANE Select); coding-DNA position 1792, C replaced by T.
Protein change: p.Arg598Cys; replaces arginine 598 with cysteine.
Molecular consequence: missense variant.
Genome position (GRCh38, 1-based): chr1:8,362,793, G>A on the plus strand (C>T on the coding strand, the complement: RERE is on the minus strand). VCF-style: chr1-8362793-G-A. GRCh37 (hg19) VCF-style: chr1-8422853-G-A.
Other names: c.130C>T, p.Arg44Cys (NM_001042682.2); c.1792C>T, p.Arg598Cys (NM_012102.4); short protein forms R44C, R598C.
Identifiers: ClinVar variation 2638177 (VCV002638177.27), dbSNP rs765762095, ClinGen allele CA571548.

ClinVar aggregate classification (germline): Uncertain significance. Review status: criteria provided, multiple submitters, no conflicts (2 of 4 stars). 2 submissions from 2 submitters: Uncertain significance (2). Last evaluated 2023-02-03.

Allele frequency attached by ClinVar (database versions not stated): gnomAD 0.00001; ExAC 0.00002; gnomAD exomes 0.00002.
gnomAD v4.1: 34 of 1,614,034 alleles (0.0021%); highest among the groups gnomAD compares: Non-Finnish European, 0.0026%; no homozygotes.

Submissions (2):

Labcorp Genetics (formerly Invitae), Labcorp
Classification: Uncertain significance. Last evaluated: 2023-02-03. Review status: criteria provided, single submitter. Criteria: Invitae Variant Classification Sherloc (09022015). Collection method: clinical testing. Allele origin: germline.
Comment: Advanced modeling of protein sequence and biophysical properties (such as structural, functional, and spatial information, amino acid conservation, physicochemical variation, residue mobility, and thermodynamic stability) has been performed at Invitae for this missense variant, however the output from this modeling did not meet the statistical confidence thresholds required to predict the impact of this variant on RERE protein function. In summary, the available evidence is currently insufficient to determine the role of this variant in disease. Therefore, it has been classified as a Variant of Uncertain Significance. This sequence change replaces arginine, which is basic and polar, with cysteine, which is neutral and slightly polar, at codon 598 of the RERE protein (p.Arg598Cys). This variant is present in population databases (rs765762095, gnomAD 0.003%). This variant has not been reported in the literature in individuals affected with RERE-related conditions.

CeGaT Center for Human Genetics Tuebingen
Classification: Uncertain significance. Last evaluated: 2022-09-01. Review status: criteria provided, single submitter. Criteria: CeGaT Center For Human Genetics Tuebingen Variant Classification Criteria Version 2. Collection method: clinical testing. Allele origin: germline. Affected: yes. Observed: 1 variant allele.